The following is an entry in ClinVar:

NM_002471.4(MYH6):c.3754C>T (p.Arg1252Trp)

Gene: MYH6 (myosin heavy chain 6; minus strand). Cytogenetic location: 14q11.2.
Variant type: single nucleotide variant.
Coding change: c.3754C>T on transcript NM_002471.4 (MANE Select); coding-DNA position 3754, C replaced by T.
Protein change: p.Arg1252Trp; replaces arginine 1252 with tryptophan.
Molecular consequence: missense variant.
Genome position (GRCh38, 1-based): chr14:23,389,698, G>A on the plus strand (C>T on the coding strand, the complement: MYH6 is on the minus strand). VCF-style: chr14-23389698-G-A. GRCh37 (hg19) VCF-style: chr14-23858907-G-A.
Other names: short protein forms R1252W.
Identifiers: ClinVar variation 1309533 (VCV001309533.9), dbSNP rs2138591811, ClinGen allele CA389003881.
Genomic context (GRCh38, chr14:23,389,698, plus strand): 5'-GGGAGCGTTGGGCCTCTTCTAGCTTCACGCGGTACTCATTGGCCTGGTCCTCCAGCGTCC[G>A]AGACACTTTCTCCAGGTTTGCCTTCAGGAAGCAAGACAGGAAGGGTGAGTGTGGGAGGGG-3'
Protein context (NP_002462.2, residues 1242-1262): KAKANLEKVS[Arg1252Trp]TLEDQANEYR

ClinVar aggregate classification (germline): Uncertain significance. Review status: criteria provided, multiple submitters, no conflicts (2 of 4 stars). 4 submissions from 4 submitters: Uncertain significance (4). Last evaluated 2026-01-06.

Conditions:
Cardiovascular phenotype. Identifiers: MedGen CN230736.
Hypertrophic cardiomyopathy 14. Identifiers: MedGen C2750467, MONDO:0013197, OMIM 613251.
MYH6-related disorder. Also called: MYH6-Related Disorders; MYH6-related condition.

Allele frequency attached by ClinVar (database versions not stated): gnomAD exomes below 0.00001.
gnomAD v4.1: 7 of 1,614,166 alleles (0.00043%); highest among the groups gnomAD compares: Admixed American, 0.0017%; no homozygotes.

Submissions (4):

PreventionGenetics, part of Exact Sciences
Classification: Uncertain significance for MYH6-related condition. Last evaluated: 2026-01-06. Review status: criteria provided, single submitter. Criteria: ACMG Guidelines, 2015. Collection method: clinical testing. Allele origin: germline.
Comment: The MYH6 c.3754C>T variant is predicted to result in the amino acid substitution p.Arg1252Trp. To our knowledge, this variant has not been reported in the literature or in a large population database (gnomAD), indicating this variant is rare. At this time, the clinical significance of this variant is uncertain due to the absence of conclusive functional and genetic evidence.

Labcorp Genetics (formerly Invitae), Labcorp
Classification: Uncertain significance for Hypertrophic cardiomyopathy 14. Last evaluated: 2022-09-11. Review status: criteria provided, single submitter. Criteria: Invitae Variant Classification Sherloc (09022015). Collection method: clinical testing. Allele origin: germline.
Comment: In summary, the available evidence is currently insufficient to determine the role of this variant in disease. Therefore, it has been classified as a Variant of Uncertain Significance. Advanced modeling of protein sequence and biophysical properties (such as structural, functional, and spatial information, amino acid conservation, physicochemical variation, residue mobility, and thermodynamic stability) performed at Invitae indicates that this missense variant is expected to disrupt MYH6 protein function. ClinVar contains an entry for this variant (Variation ID: 1309533). This variant has not been reported in the literature in individuals affected with MYH6-related conditions. This variant is not present in population databases (gnomAD no frequency). This sequence change replaces arginine, which is basic and polar, with tryptophan, which is neutral and slightly polar, at codon 1252 of the MYH6 protein (p.Arg1252Trp).

Ambry Genetics
Classification: Uncertain significance for Cardiovascular phenotype. Last evaluated: 2022-03-19. Review status: criteria provided, single submitter. Criteria: Ambry Variant Classification Scheme 2023. Collection method: clinical testing. Allele origin: germline.
Comment: The p.R1252W variant (also known as c.3754C>T), located in coding exon 25 of the MYH6 gene, results from a C to T substitution at nucleotide position 3754. The arginine at codon 1252 is replaced by tryptophan, an amino acid with dissimilar properties. This amino acid position is conserved. In addition, this alteration is predicted to be deleterious by in silico analysis. Since supporting evidence is limited at this time, the clinical significance of this alteration remains unclear.

GeneDx
Classification: Uncertain significance. Last evaluated: 2019-10-21. Review status: criteria provided, single submitter. Criteria: GeneDx Variant Classification Process June 2021. Collection method: clinical testing. Allele origin: germline. Affected: yes.
Comment: Has not been previously published as pathogenic or benign to our knowledge; Not observed in large population cohorts (Lek et al., 2016); In silico analysis, which includes protein predictors and evolutionary conservation, supports a deleterious effect